The following is an entry in ClinVar:

NM_001042492.3(NF1):c.1519T>C (p.Leu507=)

Gene: NF1 (neurofibromin 1; plus strand). Cytogenetic location: 17q11.2.
Variant type: single nucleotide variant.
Coding change: c.1519T>C on transcript NM_001042492.3 (MANE Select); coding-DNA position 1519, T replaced by C.
Protein change: p.Leu507=; no amino-acid change (leucine 507 retained).
Molecular consequence: synonymous variant.
Genome position (GRCh38, 1-based): chr17:31,214,577, T>C. VCF-style: chr17-31214577-T-C. GRCh37 (hg19) VCF-style: chr17-29541595-T-C.
Other names: c.1519T>C, p.Leu507= (NM_000267.4, NM_001128147.3).
Identifiers: ClinVar variation 232516 (VCV000232516.11), dbSNP rs876659815, ClinGen allele CA10580222.
Genomic context (GRCh38, chr17:31,214,577, plus strand): 5'-AGAAGCTATAAGTATCTTCTCTTGTCCATGGTGAAACTAATTCATGCAGATCCAAAGCTC[T>C]TGCTTTGTGTAAGTATTTTTTTATGAAATGTCTCAAAATTATCACACTAAGTTAATTGGG-3'
Protein context (NP_001035957.1, residues 497-517): VKLIHADPKL[Leu507=]LCNPRKQGPE

ClinVar aggregate classification (germline): Benign/Likely benign. Review status: criteria provided, multiple submitters, no conflicts (2 of 4 stars). 4 submissions from 4 submitters: Benign (1); Likely benign (3). Last evaluated 2026-05-15.

Conditions:
Hereditary cancer-predisposing syndrome. Also called: Hereditary neoplastic syndrome; Neoplastic Syndromes, Hereditary; Hereditary Cancer Syndrome; Tumor predisposition. Identifiers: Orphanet 140162, MedGen C0027672, MeSH D009386, MONDO:0015356.
Neurofibromatosis, type 1 (NF1). Also called: NEUROFIBROMATOSIS, TYPE I, SOMATIC; Neurofibromatosis, type I; VON RECKLINGHAUSEN DISEASE; Peripheral type neurofibromatosis. Identifiers: Orphanet 636, MedGen C0027831, MONDO:0018975, OMIM 162200. Disease mechanism: loss of function.

Allele frequency attached by ClinVar (database versions not stated): gnomAD exomes below 0.00001.

Submissions (4):

Myriad Genetics, Inc.
Classification: Benign for Neurofibromatosis, type 1. Last evaluated: 2026-05-15. Review status: criteria provided, single submitter. Criteria: Myriad Autosomal Dominant, Autosomal Recessive and X-Linked Classification Criteria (2023). Collection method: clinical testing. Allele origin: unknown.
Comment: This variant is considered benign. This variant is a silent/synonymous amino acid change and it is not expected to impact splicing.

Labcorp Genetics (formerly Invitae), Labcorp
Classification: Likely benign for Neurofibromatosis, type 1. Last evaluated: 2023-10-07. Review status: criteria provided, single submitter. Criteria: Invitae Variant Classification Sherloc (09022015). Collection method: clinical testing. Allele origin: germline.

Genome-Nilou Lab
Classification: Likely benign for Neurofibromatosis, type 1. Last evaluated: 2022-03-15. Review status: criteria provided, single submitter. Criteria: ACMG Guidelines, 2015. Collection method: clinical testing. Allele origin: germline. Affected: no.

Ambry Genetics
Classification: Likely benign for Hereditary cancer-predisposing syndrome. Last evaluated: 2015-06-19. Review status: criteria provided, single submitter. Criteria: Ambry Autosomal Dominant and X-Linked criteria (10/2015). Collection method: clinical testing. Allele origin: germline. Observed: 1 variant allele.